The following is an entry in ClinVar:

NM_002578.5(PAK3):c.1175A>C (p.Asn392Thr)

Gene: PAK3 (p21 (RAC1) activated kinase 3; plus strand). Cytogenetic location: Xq23.
Variant type: single nucleotide variant.
Coding change: c.1175A>C on transcript NM_002578.5 (MANE Select); coding-DNA position 1175, A replaced by C.
Protein change: p.Asn392Thr; replaces asparagine 392 with threonine.
Molecular consequence: missense variant. On other transcripts: non-coding transcript variant (2).
Genome position (GRCh38, 1-based): chrX:111,195,906, A>C. VCF-style: chrX-111195906-A-C. GRCh37 (hg19) VCF-style: chrX-110439134-A-C.
Other names: c.1175A>C, p.Asn392Thr (NM_001128166.3, NM_001128167.3, NM_001324325.2 and 5 more transcripts); c.1283A>C, p.Asn428Thr (NM_001128168.3); c.1238A>C, p.Asn413Thr (NM_001128172.2); c.1220A>C, p.Asn407Thr (NM_001128173.3, NM_001324327.2, NM_001324328.2 and 2 more transcripts); short protein forms N392T, N407T, N413T, N428T.
Identifiers: ClinVar variation 3360345 (VCV003360345.1).
Genomic context (GRCh38, chrX:111,195,906, plus strand): 5'-TGCAAGCTTTGGATTTCCTGCACTCAAACCAGGTGATCCATAGAGATATAAAGAGTGACA[A>C]TATTCTTCTCGGGATGGATGGCTCTGTTAAATTGAGTAGGTATTTTGGTTCAGGTGGTAT-3'
Protein context (NP_002569.1, residues 382-402): QVIHRDIKSD[Asn392Thr]ILLGMDGSVK

ClinVar aggregate classification (germline): Uncertain significance (1 of 4 stars; one submission).

Submission:

GeneDx
Classification: Uncertain significance. Last evaluated: 2023-06-26. Review status: criteria provided, single submitter. Criteria: GeneDx Variant Classification Process June 2021. Collection method: clinical testing. Allele origin: germline. Affected: yes.
Comment: Not observed at significant frequency in large population cohorts (gnomAD); In silico analysis supports that this missense variant has a deleterious effect on protein structure/function; Has not been previously published as pathogenic or benign to our knowledge